The following is an entry in ClinVar:

NM_199420.4(POLQ):c.7258T>C (p.Tyr2420His)

Gene: POLQ (DNA polymerase theta; minus strand). Cytogenetic location: 3q13.33.
Variant type: single nucleotide variant.
Coding change: c.7258T>C on transcript NM_199420.4 (MANE Select); coding-DNA position 7258, T replaced by C.
Protein change: p.Tyr2420His; replaces tyrosine 2420 with histidine.
Molecular consequence: missense variant.
Genome position (GRCh38, 1-based): chr3:121,449,321, A>G on the plus strand (T>C on the coding strand, the complement: POLQ is on the minus strand). VCF-style: chr3-121449321-A-G. GRCh37 (hg19) VCF-style: chr3-121168168-A-G.
Other names: short protein forms Y2420H.
Identifiers: ClinVar variation 1757940 (VCV001757940.2), dbSNP rs2546755898, ClinGen allele CA354102223.

ClinVar aggregate classification (germline): Uncertain significance (1 of 4 stars; one submission).

Submission:

Ambry Genetics
Classification: Uncertain significance. Last evaluated: 2021-06-20. Review status: criteria provided, single submitter. Criteria: Ambry Variant Classification Scheme 2023. Collection method: clinical testing. Allele origin: germline.
Comment: The p.Y2420H variant (also known as c.7258T>C), located in coding exon 26 of the POLQ gene, results from a T to C substitution at nucleotide position 7258. The tyrosine at codon 2420 is replaced by histidine, an amino acid with similar properties. This amino acid position is conserved. In addition, this alteration is predicted to be deleterious by in silico analysis. Since supporting evidence is limited at this time, the clinical significance of this alteration remains unclear.